The following is an entry in ClinVar:

NM_001372066.1(TFAP2A):c.904C>G (p.Leu302Val)

Gene: TFAP2A (transcription factor AP-2 alpha; minus strand). Cytogenetic location: 6p24.3.
Variant type: single nucleotide variant.
Coding change: c.904C>G on transcript NM_001372066.1 (MANE Select); coding-DNA position 904, C replaced by G.
Protein change: p.Leu302Val; replaces leucine 302 with valine.
Molecular consequence: missense variant.
Genome position (GRCh38, 1-based): chr6:10,400,575, G>C on the plus strand (C>G on the coding strand, the complement: TFAP2A is on the minus strand). VCF-style: chr6-10400575-G-C. GRCh37 (hg19) VCF-style: chr6-10400808-G-C.
Other names: c.880C>G, p.Leu294Val (NM_001032280.3); c.886C>G, p.Leu296Val (NM_001042425.3); short protein forms L294V, L296V, L302V.
Identifiers: ClinVar variation 4975681 (VCV004975681.1).

ClinVar aggregate classification (germline): Uncertain significance (1 of 4 stars; one submission).

Submission:

GeneDx
Classification: Uncertain significance. Last evaluated: 2026-01-26. Review status: criteria provided, single submitter. Criteria: GeneDx Variant Classification Process June 2021. Collection method: clinical testing. Allele origin: germline.
Comment: Not observed at significant frequency in large population cohorts (gnomAD); In silico analysis supports that this missense variant has a deleterious effect on protein structure/function; Has not been previously published as pathogenic or benign to our knowledge